The following is an entry in ClinVar:

ClinVar aggregate classification (germline): Uncertain significance (1 of 4 stars; one submission).

Allele frequency attached by ClinVar (database versions not stated): gnomAD exomes below 0.00001; gnomAD 0.00001; TOPMed 0.00001.
gnomAD v4.1: 3 of 1,613,288 alleles (0.00019%); highest among the groups gnomAD compares: Non-Finnish European, 0.00025%; no homozygotes.

Submission:

Labcorp Genetics (formerly Invitae), Labcorp
Classification: Uncertain significance. Last evaluated: 2023-08-19. Review status: criteria provided, single submitter. Criteria: Invitae Variant Classification Sherloc (09022015). Collection method: clinical testing. Allele origin: germline.
Comment: This variant has not been reported in the literature in individuals affected with CLCN7-related conditions. In summary, the available evidence is currently insufficient to determine the role of this variant in disease. Therefore, it has been classified as a Variant of Uncertain Significance. Advanced modeling of protein sequence and biophysical properties (such as structural, functional, and spatial information, amino acid conservation, physicochemical variation, residue mobility, and thermodynamic stability) performed at Invitae indicates that this missense variant is not expected to disrupt CLCN7 protein function. This variant is not present in population databases (gnomAD no frequency). This sequence change replaces alanine, which is neutral and non-polar, with serine, which is neutral and polar, at codon 394 of the CLCN7 protein (p.Ala394Ser).

NM_001287.6(CLCN7):c.1180G>T (p.Ala394Ser)

Gene: CLCN7 (chloride voltage-gated channel 7; minus strand). Cytogenetic location: 16p13.3.
Variant type: single nucleotide variant.
Coding change: c.1180G>T on transcript NM_001287.6 (MANE Select); coding-DNA position 1180, G replaced by T.
Protein change: p.Ala394Ser; replaces alanine 394 with serine.
Molecular consequence: missense variant.
Genome position (GRCh38, 1-based): chr16:1,453,868, C>A on the plus strand (G>T on the coding strand, the complement: CLCN7 is on the minus strand). VCF-style: chr16-1453868-C-A. GRCh37 (hg19) VCF-style: chr16-1503869-C-A.
Other names: c.1108G>T, p.Ala370Ser (NM_001114331.3); short protein forms A370S, A394S.
Identifiers: ClinVar variation 2743126 (VCV002743126.3), dbSNP rs943361069, ClinGen allele CA276676394.
Genomic context (GRCh38, chr16:1,453,868, plus strand): 5'-CGATATGCAATGCGGTTTCTCCTCACCTGATTCGAAACATGGTCAGCCAGTAGTTCAAGG[C>A]ATTGAACACTGCTCCAAGCACACCGCCTGCGAACAGGGGAAAGGCCAGTCAGCGACACCG-3'
Protein context (NP_001278.1, residues 384-404): VGGVLGAVFN[Ala394Ser]LNYWLTMFRI